The following is an entry in ClinVar:

ClinVar aggregate classification (germline): Uncertain significance (1 of 4 stars; one submission).

Submission:

Ambry Genetics
Classification: Uncertain significance. Last evaluated: 2021-12-11. Review status: criteria provided, single submitter. Criteria: Ambry Variant Classification Scheme 2023. Collection method: clinical testing. Allele origin: germline.
Comment: The p.W121G variant (also known as c.361T>G), located in coding exon 1 of the EGLN2 gene, results from a T to G substitution at nucleotide position 361. The tryptophan at codon 121 is replaced by glycine, an amino acid with highly dissimilar properties. This amino acid position is conserved. In addition, this alteration is predicted to be tolerated by in silico analysis. Since supporting evidence is limited at this time, the clinical significance of this alteration remains unclear.

NM_080732.4(EGLN2):c.361T>G (p.Trp121Gly)

Genes: EGLN2 (egl-9 family hypoxia inducible factor 2; plus strand), RAB4B-EGLN2 (RAB4B-EGLN2 readthrough (NMD candidate); plus strand). Cytogenetic location: 19q13.2.
Variant type: single nucleotide variant.
Coding change: c.361T>G on transcript NM_080732.4 (MANE Select); coding-DNA position 361, T replaced by G.
Protein change: p.Trp121Gly; replaces tryptophan 121 with glycine.
Molecular consequence: missense variant. On other transcripts: non-coding transcript variant (1).
Genome position (GRCh38, 1-based): chr19:40,800,933, T>G. VCF-style: chr19-40800933-T-G. GRCh37 (hg19) VCF-style: chr19-41306838-T-G.
Other names: c.361T>G, p.Trp121Gly (NM_053046.4); short protein forms W121G.
Identifiers: ClinVar variation 1733316 (VCV001733316.2), dbSNP rs2515993768, ClinGen allele CA405955086.
Genomic context (GRCh38, chr19:40,800,933, plus strand): 5'-ACCAAGGGGTGCCAGCGATTGGCAGCCCAGGGCGCACGGCCTGAGGCCCCCAAACGGAAA[T>G]GGGCCGAGGATGGTGGGGATGCCCCTTCACCCAGCAAACGGCCCTGGGCCAGGCAAGAGA-3'
Protein context (NP_542770.2, residues 111-131): GARPEAPKRK[Trp121Gly]AEDGGDAPSP